The following is an entry in ClinVar:

ClinVar aggregate classification (germline): Conflicting classifications of pathogenicity. Review status: criteria provided, conflicting classifications (1 of 4 stars). 2 submissions from 2 submitters: Likely pathogenic (1); Uncertain significance (1). Last evaluated 2016-06-27.

Conditions:
Inborn genetic diseases. Identifiers: MedGen C0950123, MeSH D030342.

Submissions (2):

Ambry Genetics
Classification: Uncertain significance for Inborn genetic diseases. Last evaluated: 2016-06-27. Review status: criteria provided, single submitter. Criteria: Ambry exome assertion method (8-5-2015). Collection method: clinical testing. Allele origin: germline. Affected: yes. Observed: 1 variant allele.

GeneDx
Classification: Likely pathogenic. Last evaluated: 2016-02-29. Review status: criteria provided, single submitter. Criteria: GeneDx Variant Classification (06012015). Collection method: clinical testing. Allele origin: germline. Affected: yes.
Comment: A novel variant that is likely pathogenic has been identified in the CYBB gene. The I411F variant has not been published as a pathogenic variant, nor has it been reported as a benign variant to our knowledge. The variant was not observed in approximately 6,500 individuals of European and African American ancestry in the NHLBI Exome Sequencing Project, indicating it is not a common benign variant in these populations. I411F is a conservative amino acid substitution, which is not likely to impact secondary protein structure as these residues share similar properties. However, this substitution occurs at a position within the NADPH-binding region that is conserved across species, and in silico analysis predicts this variant is probably damaging to the protein structure/function. Missense variants in nearby residues (G408R (c.1222G>C), G408R (c.1222G>A), G408E, G412R (c.1234G>C), G412R (c.1234G>A), G412E) have been reported in the Human Gene Mutation Database and CYBBbase in association with CGD (Stenson et al., 2014), supporting the functional importance of this region of the protein. Therefore, based on the currently available information, this variant is likely pathogenic; however, the possibility that it is a benign variant cannot be excluded.

Literature cited by the submitters: PubMed 20729109 (cited by Ambry Genetics); PubMed 1320378 (cited by Ambry Genetics); PubMed 20724480 (cited by Ambry Genetics).

NM_000397.4(CYBB):c.1231A>T (p.Ile411Phe)

Gene: CYBB (cytochrome b-245 beta chain; plus strand). Cytogenetic location: Xp11.4.
Variant type: single nucleotide variant.
Coding change: c.1231A>T on transcript NM_000397.4 (MANE Select); coding-DNA position 1231, A replaced by T.
Protein change: p.Ile411Phe; replaces isoleucine 411 with phenylalanine.
Molecular consequence: missense variant.
Genome position (GRCh38, 1-based): chrX:37,805,085, A>T. VCF-style: chrX-37805085-A-T. GRCh37 (hg19) VCF-style: chrX-37664338-A-T.
Other names: short protein forms I411F.
Identifiers: ClinVar variation 384364 (VCV000384364.5), dbSNP rs1057521937, ClinGen allele CA16609183.